The following is an entry in ClinVar:

ClinVar aggregate classification (germline): Pathogenic (1 of 4 stars; one submission).

Conditions:
Genitopatellar syndrome (GTPTS). Also called: Genitopatellar syndrome (GPS); ABSENT PATELLAE, SCROTAL HYPOPLASIA, RENAL ANOMALIES, FACIAL DYSMORPHISM, AND MENTAL RETARDATION. Identifiers: Orphanet 85201, MedGen C1853566, MONDO:0011640, OMIM 606170.
Blepharophimosis - intellectual disability syndrome, SBBYS type (SBBYSS). Also called: Say-Barber-Biesecker variant of Ohdo syndrome (SBBYSS); Say-Barber-Biesecker-Young-Simpson variant of Ohdo Syndrome; Say-Barber-Biesecker Variant of Ohdo Syndrome; Ohdo syndrome, SBBYS variant; SBBYSS syndrome; Say-Barber-Biesecker-Young-Simpson syndrome. Identifiers: Orphanet 3047, MedGen C1863557, MONDO:0011365, OMIM 603736.

Submission:

Department of Clinical Genetics, Aarhus University Hospital
Classification: Pathogenic for Blepharophimosis - intellectual disability syndrome, SBBYS type; Genitopatellar syndrome. Last evaluated: 2025-01-10. Review status: criteria provided, single submitter. Criteria: ACMG Guidelines, 2015. Collection method: clinical testing. Allele origin: maternal. Inheritance: Autosomal dominant inheritance. Affected: yes. Observed: 1 heterozygote.
Comment: The variant locates to exon 13 of 18 exons and generates a frameshift leading to a premature stop codon in exon 14. The variant is not in the Genome Aggregation Database (gnomAD v4.0.0) and has not previously been associated with disease (HGMD (2023.4) and ClinVar database). Dosage curation reports provided by The Clinical Genome Resource (ClinGen) provides "sufficient evidence" for haploinsufficiency to be a mechanism of disease for KAT6B. (PVS1, PM2_supporting, PP1_strong)

NM_012330.4(KAT6B):c.2623del (p.Asp875fs)

Gene: KAT6B (lysine acetyltransferase 6B; plus strand). Cytogenetic location: 10q22.2.
Variant type: Deletion.
Coding change: c.2623del on transcript NM_012330.4 (MANE Select); coding-DNA position 2623, one base deleted (G; older notation c.2623delG).
Protein change: p.Asp875fs; shifts the reading frame from aspartic acid 875.
Molecular consequence: frameshift variant.
Genome position (GRCh38, 1-based): chr10:74,989,106, G deleted. VCF-style (leftmost placement, unchanged base first): chr10-74989105-TG-T. GRCh37 (hg19) VCF-style: chr10-76748863-TG-T.
Other names: c.2074del, p.Asp692fs (NM_001256468.2, NM_001370138.1); c.1747del, p.Asp583fs (NM_001256469.2, NM_001370139.1, NM_001370140.1 and 2 more transcripts); c.1585del, p.Asp529fs (NM_001370132.1); c.934del, p.Asp312fs (NM_001370133.1); c.538del, p.Asp180fs (NM_001370134.1); c.280del, p.Asp94fs (NM_001370135.1); c.2623del, p.Asp875fs (NM_001370136.1, NM_001370137.1); c.1558del, p.Asp520fs (NM_001370143.1, NM_001370144.1); short protein forms D520fs, D529fs, D180fs, D583fs, D875fs, D692fs, D312fs, D94fs.
Identifiers: ClinVar variation 3571999 (VCV003571999.2).